The following is an entry in ClinVar:

ClinVar aggregate classification (germline): Pathogenic (1 of 4 stars; one submission).

Conditions:
Hereditary nonpolyposis colorectal neoplasms. Identifiers: MedGen C0009405, MeSH D003123.

Submission:

Labcorp Genetics (formerly Invitae), Labcorp
Classification: Pathogenic for Hereditary nonpolyposis colon cancer. Last evaluated: 2019-10-30. Review status: criteria provided, single submitter. Criteria: Invitae Variant Classification Sherloc (09022015). Collection method: clinical testing. Allele origin: germline.
Comment: This variant is an out-of-frame deletion of the genomic region encompassing exon 2 of the MSH6 gene. This creates a premature translational stop signal and is expected to result in an absent or disrupted protein product. Deletion of exon 2 has not been reported in the literature in individuals with MSH6-related disease. Loss-of-function variants in MSH6 are known to be pathogenic (PMID: 18269114, 24362816). For these reasons, this variant has been classified as Pathogenic.

NC_000002.12:g.(?_47790917)_(47791133_?)del

Gene: MSH6 (mutS homolog 6; plus strand). Cytogenetic location: 2p16.3.
Variant type: Deletion.
Identifiers: ClinVar variation 642625 (VCV000642625.2).